The following is an entry in ClinVar:

ClinVar aggregate classification (germline): Uncertain significance (1 of 4 stars; one submission).

Conditions:
Alagille syndrome due to a JAG1 point mutation. Also called: HEPATIC DUCTULAR HYPOPLASIA, SYNDROMATIC; Alagille Syndrome 1; JAG1-Related Alagille Syndrome. Identifiers: Orphanet 261619, Orphanet 52, MedGen C1956125, MONDO:0016862, OMIM 118450.

Allele frequency attached by ClinVar (database versions not stated): gnomAD exomes below 0.00001; TOPMed below 0.00001; ExAC 0.00001; gnomAD 0.00001.

Submission:

Labcorp Genetics (formerly Invitae), Labcorp
Classification: Uncertain significance for Alagille syndrome due to a JAG1 point mutation. Last evaluated: 2021-11-03. Review status: criteria provided, single submitter. Criteria: Invitae Variant Classification Sherloc (09022015). Collection method: clinical testing. Allele origin: germline.
Comment: In summary, the available evidence is currently insufficient to determine the role of this variant in disease. Therefore, it has been classified as a Variant of Uncertain Significance. This sequence change replaces asparagine, which is neutral and polar, with serine, which is neutral and polar, at codon 716 of the JAG1 protein (p.Asn716Ser). This variant is not present in population databases (gnomAD no frequency). This variant has not been reported in the literature in individuals affected with JAG1-related conditions. Advanced modeling of protein sequence and biophysical properties (such as structural, functional, and spatial information, amino acid conservation, physicochemical variation, residue mobility, and thermodynamic stability) performed at Invitae indicates that this missense variant is not expected to disrupt JAG1 protein function.

NM_000214.3(JAG1):c.2147A>G (p.Asn716Ser)

Gene: JAG1 (jagged canonical Notch ligand 1; minus strand). Cytogenetic location: 20p12.2.
Variant type: single nucleotide variant.
Coding change: c.2147A>G on transcript NM_000214.3 (MANE Select); coding-DNA position 2147, A replaced by G.
Protein change: p.Asn716Ser; replaces asparagine 716 with serine.
Molecular consequence: missense variant.
Genome position (GRCh38, 1-based): chr20:10,645,223, T>C on the plus strand (A>G on the coding strand, the complement: JAG1 is on the minus strand). VCF-style: chr20-10645223-T-C. GRCh37 (hg19) VCF-style: chr20-10625871-T-C.
Other names: short protein forms N716S.
Identifiers: ClinVar variation 1386419 (VCV001386419.6), dbSNP rs765705984, ClinGen allele CA9764617.